The following is an entry in ClinVar:

ClinVar aggregate classification (germline): Pathogenic (1 of 4 stars; one submission).

Submission:

Labcorp Genetics (formerly Invitae), Labcorp
Classification: Pathogenic. Last evaluated: 2023-08-24. Review status: criteria provided, single submitter. Criteria: Invitae Variant Classification Sherloc (09022015). Collection method: clinical testing. Allele origin: germline.
Comment: This sequence change creates a premature translational stop signal (p.Thr25Argfs*54) in the SCO2 gene. While this is not anticipated to result in nonsense mediated decay, it is expected to disrupt the last 242 amino acid(s) of the SCO2 protein. For these reasons, this variant has been classified as Pathogenic. This variant disrupts a region of the SCO2 protein in which other variant(s) (p.Gly193Ser) have been determined to be pathogenic (PMID: 19353847, 29193756, 32600061). This suggests that this is a clinically significant region of the protein, and that variants that disrupt it are likely to be disease-causing. This variant is present in population databases (no rsID available, gnomAD 0.0009%). This variant has not been reported in the literature in individuals affected with SCO2-related conditions.

Literature cited by the submitters: PubMed 19353847; PubMed 29193756; PubMed 32600061.

NM_005138.3(SCO2):c.74_81del (p.Thr25fs)

Genes: NCAPH2 (non-SMC condensin II complex subunit H2; plus strand), SCO2 (synthesis of cytochrome C oxidase 2; minus strand). Cytogenetic location: 22q13.33.
Variant type: Microsatellite.
Coding change: c.74_81del on transcript NM_005138.3 (MANE Select); coding-DNA positions 74 to 81, 8 bases deleted (CCCTGGGA; older notation c.74_81delCCCTGGGA).
Protein change: p.Thr25fs; shifts the reading frame from threonine 25.
Molecular consequence: frameshift variant. On other transcripts: 3 prime UTR variant (2).
Genome position (GRCh38, 1-based): chr22:50,524,331-50,524,338, TCCCAGGG deleted on the plus strand (CCCTGGGA on the coding strand, the reverse complement: SCO2 is on the minus strand); deleting any 8 consecutive bases within chr22:50,524,331-50,524,346 gives the same sequence; the c. name uses the placement nearest the transcript's 3' end. VCF-style (leftmost placement, unchanged base first): chr22-50524330-CTCCCAGGG-C. GRCh37 (hg19) VCF-style: chr22-50962759-CTCCCAGGG-C.
Other names: c.*956TCCCAGGG[1] (NM_001185011.2, NM_152299.4); c.74_81del, p.Thr25fs (NM_001169109.2, NM_001169110.1, NM_001169111.2); short protein forms T25fs.
Identifiers: ClinVar variation 2721165 (VCV002721165.3), dbSNP rs1451336666, ClinGen allele CA640357726.